The following is an entry in ClinVar:

NM_001288705.3(CSF1R):c.2128C>T (p.Arg710Cys)

Gene: CSF1R (colony stimulating factor 1 receptor; minus strand). Cytogenetic location: 5q32.
Variant type: single nucleotide variant.
Coding change: c.2128C>T on transcript NM_001288705.3 (MANE Select); coding-DNA position 2128, C replaced by T.
Protein change: p.Arg710Cys; replaces arginine 710 with cysteine.
Molecular consequence: missense variant.
Genome position (GRCh38, 1-based): chr5:150,059,704, G>A on the plus strand (C>T on the coding strand, the complement: CSF1R is on the minus strand). VCF-style: chr5-150059704-G-A. GRCh37 (hg19) VCF-style: chr5-149439267-G-A.
Other names: c.2128C>T, p.Arg710Cys (NM_001349736.2, NM_001375320.1, NM_005211.4); c.1684C>T, p.Arg562Cys (NM_001375321.1); short protein forms R562C, R710C.
Identifiers: ClinVar variation 1919228 (VCV001919228.7), dbSNP rs762329575, ClinGen allele CA3506571.

ClinVar aggregate classification (germline): Uncertain significance. Review status: criteria provided, multiple submitters, no conflicts (2 of 4 stars). 3 submissions from 3 submitters: Uncertain significance (2). 1 of the submissions does not count toward it. Last evaluated 2025-10-09.

Conditions:
Inborn genetic diseases. Identifiers: MedGen C0950123, MeSH D030342.
CSF1R-related disorder. Also called: CSF1R-related condition. Identifiers: MedGen CN379780, MONDO:0100632.

Allele frequency attached by ClinVar (database versions not stated): TOPMed below 0.00001; ExAC 0.00001; gnomAD 0.00001; gnomAD exomes 0.00002.
gnomAD v4.1: 28 of 1,613,580 alleles (0.0017%); highest among the groups gnomAD compares: Admixed American, 0.005%; no homozygotes.

Submissions (3):

Labcorp Genetics (formerly Invitae), Labcorp
Classification: Uncertain significance. Last evaluated: 2025-10-09. Review status: criteria provided, single submitter. Criteria: Invitae Variant Classification Sherloc (09022015). Collection method: clinical testing. Allele origin: germline.
Comment: This sequence change replaces arginine, which is basic and polar, with cysteine, which is neutral and slightly polar, at codon 710 of the CSF1R protein (p.Arg710Cys). This variant is present in population databases (rs762329575, gnomAD 0.004%). This variant has not been reported in the literature in individuals affected with CSF1R-related conditions. ClinVar contains an entry for this variant (Variation ID: 1919228). Invitae Evidence Modeling of protein sequence and biophysical properties (such as structural, functional, and spatial information, amino acid conservation, physicochemical variation, residue mobility, and thermodynamic stability) indicates that this missense variant is not expected to disrupt CSF1R protein function with a negative predictive value of 95%. In summary, the available evidence is currently insufficient to determine the role of this variant in disease. Therefore, it has been classified as a Variant of Uncertain Significance.

Ambry Genetics
Classification: Uncertain significance for Inborn genetic diseases. Last evaluated: 2021-07-08. Review status: criteria provided, single submitter. Criteria: Ambry Variant Classification Scheme 2023. Collection method: clinical testing. Allele origin: germline.

PreventionGenetics, part of Exact Sciences
Classification: Uncertain significance for CSF1R-related condition. Last evaluated: 2024-07-30. Review status: no assertion criteria provided. Collection method: clinical testing. Allele origin: germline. Not counted in ClinVar's aggregate classification.
Comment: The CSF1R c.2128C>T variant is predicted to result in the amino acid substitution p.Arg710Cys. To our knowledge, this variant has not been reported in the literature. This variant is reported in 0.0053% of alleles in individuals of European (Non-Finnish) descent in gnomAD. At this time, the clinical significance of this variant is uncertain due to the absence of conclusive functional and genetic evidence.